The following is an entry in ClinVar:

ClinVar aggregate classification (germline): Uncertain significance (1 of 4 stars; one submission).

Allele frequency attached by ClinVar (database versions not stated): gnomAD 0.00001; gnomAD exomes 0.00002; ExAC 0.00008; 1000 Genomes Project 30x 0.00016; 1000 Genomes Project 0.00020.

Submission:

Labcorp Genetics (formerly Invitae), Labcorp
Classification: Uncertain significance. Last evaluated: 2023-08-09. Review status: criteria provided, single submitter. Criteria: Invitae Variant Classification Sherloc (09022015). Collection method: clinical testing. Allele origin: germline.
Comment: In summary, the available evidence is currently insufficient to determine the role of this variant in disease. Therefore, it has been classified as a Variant of Uncertain Significance. Advanced modeling of protein sequence and biophysical properties (such as structural, functional, and spatial information, amino acid conservation, physicochemical variation, residue mobility, and thermodynamic stability) performed at Invitae indicates that this missense variant is not expected to disrupt NR3C2 protein function. This variant has not been reported in the literature in individuals affected with NR3C2-related conditions. This variant is present in population databases (rs533962812, gnomAD 0.05%), and has an allele count higher than expected for a pathogenic variant. This sequence change replaces arginine, which is basic and polar, with cysteine, which is neutral and slightly polar, at codon 150 of the NR3C2 protein (p.Arg150Cys).

NM_000901.5(NR3C2):c.448C>T (p.Arg150Cys)

Gene: NR3C2 (nuclear receptor subfamily 3 group C member 2; minus strand). Cytogenetic location: 4q31.23.
Variant type: single nucleotide variant.
Coding change: c.448C>T on transcript NM_000901.5 (MANE Select); coding-DNA position 448, C replaced by T.
Protein change: p.Arg150Cys; replaces arginine 150 with cysteine.
Molecular consequence: missense variant. On other transcripts: non-coding transcript variant (1).
Genome position (GRCh38, 1-based): chr4:148,436,413, G>A on the plus strand (C>T on the coding strand, the complement: NR3C2 is on the minus strand). VCF-style: chr4-148436413-G-A. GRCh37 (hg19) VCF-style: chr4-149357565-G-A.
Other names: c.448C>T, p.Arg150Cys (NM_001166104.2, NM_001354819.1); short protein forms R150C.
Identifiers: ClinVar variation 2996621 (VCV002996621.3), dbSNP rs533962812, ClinGen allele CA3100465.
Genomic context (GRCh38, chr4:148,436,413, plus strand): 5'-TCCCAGAGTCAGACATAAATGATCTCAAGGGCGTGTTCACACAACTTAGAGTGGAAGGAC[G>A]ATGGCCATTTCCTTTGTAAAATTTCACCAGCTGTTCAACATTCTGATAAATCTTAGCTGG-3'
Protein context (NP_000892.2, residues 140-160): LVKFYKGNGH[Arg150Cys]PSTLSCVNTP